The following is an entry in ClinVar:

ClinVar aggregate classification (germline): Pathogenic/Likely pathogenic. Review status: criteria provided, multiple submitters, no conflicts (2 of 4 stars). 24 submissions from 22 submitters: Pathogenic (19); Likely pathogenic (1). 4 of the submissions do not count toward it. Last evaluated 2026-08-21.

Conditions:
TYR-related disorder. Also called: TYR-related condition.
Oculocutaneous albinism type 1A (OCA1A). Also called: Albinism, oculocutaneous, type IA. Identifiers: Orphanet 352731, Orphanet 79431, MedGen C4551504, MONDO:0008745, OMIM 203100. Disease mechanism: loss of function.
Oculocutaneous albinism type 1B (OCA1B). Also called: ALBINISM, OCULOCUTANEOUS, TYPE IB; ALBINISM, YELLOW MUTANT TYPE; YELLOW ALBINISM. Identifiers: Orphanet 352731, Orphanet 352737, Orphanet 79434, MedGen C1847024, MONDO:0011749, OMIM 606952.
SKIN/HAIR/EYE PIGMENTATION 3, LIGHT/DARK SKIN (SHEP3). Also called: SKIN/HAIR/EYE PIGMENTATION, VARIATION IN, 3; EYE COLOR 1; EYE COLOR, GREEN/BLUE; SKIN/HAIR/EYE PIGMENTATION 3, BLUE/GREEN EYE COLOR; SKIN/HAIR/EYE PIGMENTATION 3, FRECKLING. Identifiers: MedGen C2677190, OMIM 601800.
Albinism or congenital nystagmus.
Oculocutaneous albinism. Identifiers: Orphanet 55, MedGen C0078918, MONDO:0018910.

Allele frequency attached by ClinVar (database versions not stated): gnomAD 0.00007 and 0.00006; gnomAD exomes 0.00008 and 0.00006; ExAC 0.00010; TOPMed 0.00006; 1000 Genomes Project 30x 0.00031; 1000 Genomes Project 0.00040.
gnomAD v4.1: 96 of 1,614,144 alleles (0.0059%); highest among the groups gnomAD compares: East Asian, 0.0089%; no homozygotes.

Submissions 1 to 17 of 24:

PreventionGenetics, part of Exact Sciences
Classification: Pathogenic for TYR-related condition. Last evaluated: 2026-08-21. Review status: criteria provided, single submitter. Criteria: ACMG Guidelines, 2015. Collection method: clinical testing. Allele origin: germline.
Comment: The TYR c.230G>A variant is predicted to result in the amino acid substitution p.Arg77Gln. This variant has been reported in the homozygous and compound heterozygous states in individuals with oculocutaneous albinism (see for examples Kikuchi et al. 1990. PubMed ID: 2113511; Kono et al. 2012. PubMed ID: 21985232; Marti et al. 2018. PubMed ID: 28976636). Functional studies support the pathogenicity of this variant (Dolinska et al. 2017. PubMed ID: 27775880; Kono et al. 2012. PubMed ID: 21985232). This variant is reported in 0.012% of alleles in individuals of European (Non-Finnish) descent in gnomAD. Given all the evidence, we interpret this variant as pathogenic.

3billion
Classification: Likely pathogenic for TYR-related disorder. Last evaluated: 2026-01-19. Review status: criteria provided, single submitter. Criteria: ACMG Guidelines, 2015. Collection method: clinical testing. Allele origin: germline. Affected: yes.
Comment: The variant is observed at an extremely low frequency in the gnomAD v4.1.0 dataset (total allele frequency: 0.006%). Predicted Consequence/Location: Missense variant In silico tool predictions suggest damaging effect of the variant on gene or gene product [REVEL: 0.88 (>=0.6, sensitivity 0.68 and specificity 0.92); 3Cnet: 0.99 (> 0.75, sensitivity 0.96 and precision 0.92)]. The same nucleotide change resulting in the same amino acid change has been previously reported as pathogenic/likely pathogenic with strong evidence (ClinVar ID: VCV000003776 /PMID: 2113511). Different missense changes at the same codon (p.Arg77Gly, p.Arg77Trp) have been reported as pathogenic/likely pathogenic with strong evidence (ClinVar ID: VCV000099553, VCV002137224 /PMID: 19865097, 9259202). Therefore, this variant is classified as Likely pathogenic according to the recommendation of ACMG/AMP guideline.

Labcorp Genetics (formerly Invitae), Labcorp
Classification: Pathogenic. Last evaluated: 2026-01-18. Review status: criteria provided, single submitter. Criteria: Invitae Variant Classification Sherloc (09022015). Collection method: clinical testing. Allele origin: germline.
Comment: This sequence change replaces arginine, which is basic and polar, with glutamine, which is neutral and polar, at codon 77 of the TYR protein (p.Arg77Gln). This variant is present in population databases (rs61753185, gnomAD 0.01%). This missense change has been observed in individuals with oculocutaneous albinism (PMID: 21985232, 31077556). ClinVar contains an entry for this variant (Variation ID: 3776). Invitae Evidence Modeling of protein sequence and biophysical properties (such as structural, functional, and spatial information, amino acid conservation, physicochemical variation, residue mobility, and thermodynamic stability) indicates that this missense variant is expected to disrupt TYR protein function with a positive predictive value of 95%. Experimental studies have shown that this missense change affects TYR function (PMID: 21985232). For these reasons, this variant has been classified as Pathogenic.

NHS Central & South Genomic Laboratory Hub
Classification: Pathogenic for Albinism or congenital nystagmus. Last evaluated: 2025-04-09. Review status: criteria provided, single submitter. Criteria: ACMG Guidelines, 2015. Collection method: clinical testing. Allele origin: germline. Affected: yes.

Blueprint Genetics
Classification: Pathogenic for TYR-related disorders. Last evaluated: 2024-11-04. Review status: criteria provided, single submitter. Criteria: ACMG Guidelines, 2015. Collection method: clinical testing. Allele origin: germline. Affected: yes. Observed: 5 variant alleles.

Women's Health and Genetics/Laboratory Corporation of America, LabCorp
Classification: Pathogenic for Oculocutaneous albinism. Last evaluated: 2024-09-19. Review status: criteria provided, single submitter. Criteria: LabCorp Variant Classification Summary - May 2015. Collection method: clinical testing. Allele origin: germline.
Comment: Variant summary: TYR c.230G>A (p.Arg77Gln) results in a conservative amino acid change in the encoded protein sequence. Four of five in-silico tools predict a damaging effect of the variant on protein function. The variant allele was found at a frequency of 8.4e-05 in 251030 control chromosomes. This frequency is not significantly higher than estimated for a pathogenic variant in TYR causing Oculocutaneous Albinism (8.4e-05 vs 0.0056), allowing no conclusion about variant significance. c.230G>A has been reported in the literature in multiple individuals affected with Oculocutaneous Albinism (example, Shah_2015,Takeda_1989). These data indicate that the variant is very likely to be associated with disease. At least one publication reports experimental evidence evaluating an impact on protein function. The most pronounced variant effect results in diminished catalytical activity in mouse amelanotic melanoma cells (Takeda_1989). The following publications have been ascertained in the context of this evaluation (PMID: 25703744, 2120217). ClinVar contains an entry for this variant (Variation ID: 3776). Based on the evidence outlined above, the variant was classified as pathogenic.

Genomic Medicine Center of Excellence, King Faisal Specialist Hospital and Research Centre
Classification: Pathogenic for SKIN/HAIR/EYE PIGMENTATION 3, LIGHT/DARK SKIN. Last evaluated: 2024-03-14. Review status: criteria provided, single submitter. Criteria: ACMG Guidelines, 2015. Collection method: research. Allele origin: germline.

Baylor Genetics
Classification: Pathogenic for SKIN/HAIR/EYE PIGMENTATION 3, LIGHT/DARK SKIN. Last evaluated: 2024-03-11. Review status: criteria provided, single submitter. Criteria: ACMG Guidelines, 2015. Collection method: clinical testing. Allele origin: unknown.

Center for Personalized Medicine, Children's Hospital Los Angeles
Classification: Pathogenic. Last evaluated: 2022-12-21. Review status: criteria provided, single submitter. Criteria: ACMG Guidelines, 2015. Collection method: clinical testing. Allele origin: unknown. Affected: yes.

GeneDx
Classification: Pathogenic. Last evaluated: 2022-05-26. Review status: criteria provided, single submitter. Criteria: GeneDx Variant Classification Process June 2021. Collection method: clinical testing. Allele origin: germline. Affected: yes.
Comment: Published functional studies demonstrate a damaging effect: abnormal protein folding and no in vitro enzyme activity (Dolinksa et al., 2017); This variant is associated with the following publications: (PMID: 23324268, 2113511, 1642278, 32552793, 10929771, 32427313, 21985232, 34487524, 27775880, 31077556, 28976636)

Fulgent Genetics
Classification: Pathogenic for Oculocutaneous albinism type 1A; SKIN/HAIR/EYE PIGMENTATION 3, LIGHT/DARK SKIN; Oculocutaneous albinism type 1B. Last evaluated: 2022-05-03. Review status: criteria provided, single submitter. Criteria: ACMG Guidelines, 2015. Collection method: clinical testing. Allele origin: unknown.

CeGaT Center for Human Genetics Tuebingen
Classification: Pathogenic. Last evaluated: 2022-03-01. Review status: criteria provided, single submitter. Criteria: CeGaT Center For Human Genetics Tuebingen Variant Classification Criteria Version 2. Collection method: clinical testing. Allele origin: germline. Affected: yes. Observed: 2 variant alleles.

Revvity Omics, Revvity
Classification: Pathogenic. Last evaluated: 2022-01-11. Review status: criteria provided, single submitter. Criteria: ACMG Guidelines, 2015. Collection method: clinical testing. Allele origin: germline.

Genome-Nilou Lab
Classification: Pathogenic for Oculocutaneous albinism type 1A. Last evaluated: 2021-07-22. Review status: criteria provided, single submitter. Criteria: ACMG Guidelines, 2015. Collection method: clinical testing. Allele origin: germline. Affected: no.

Baylor Genetics
Classification: Pathogenic for Oculocutaneous albinism type 1A. Last evaluated: 2020-01-22. Review status: criteria provided, single submitter. Criteria: ACMG Guidelines, 2015. Collection method: clinical testing. Allele origin: unknown. Affected: yes.
Comment: This variant was determined to be pathogenic according to ACMG Guidelines, 2015 [PMID:25741868].

Eurofins Ntd Llc (ga)
Classification: Pathogenic. Last evaluated: 2017-07-12. Review status: criteria provided, single submitter. Criteria: EGL Classification Definitions 2015. Collection method: clinical testing. Allele origin: germline. Observed: 1 variant allele, 1 heterozygote.

Molecular Diagnostics Laboratory, M Health Fairview: University of Minnesota
Classification: Pathogenic for Oculocutaneous albinism type 1A. Last evaluated: 2017-02-09. Review status: criteria provided, single submitter. Criteria: ACMG Guidelines, 2015. Collection method: clinical testing. Allele origin: germline. Affected: yes. Observed: 1 variant allele.

NM_000372.5(TYR):c.230G>A (p.Arg77Gln)

Gene: TYR (tyrosinase; plus strand). Cytogenetic location: 11q14.3.
Variant type: single nucleotide variant.
Coding change: c.230G>A on transcript NM_000372.5 (MANE Select); coding-DNA position 230, G replaced by A.
Protein change: p.Arg77Gln; replaces arginine 77 with glutamine.
Molecular consequence: missense variant.
Genome position (GRCh38, 1-based): chr11:89,178,183, G>A. VCF-style: chr11-89178183-G-A. GRCh37 (hg19) VCF-style: chr11-88911351-G-A.
Other names: R59Q; short protein forms R77Q.
Identifiers: ClinVar variation 3776 (VCV000003776.66), dbSNP rs61753185, ClinGen allele CA227543.